The following is an entry in ClinVar:

NM_001003841.3(SLC6A19):c.97C>A (p.Pro33Thr)

Gene: SLC6A19 (solute carrier family 6 member 19; plus strand). Cytogenetic location: 5p15.33.
Variant type: single nucleotide variant.
Coding change: c.97C>A on transcript NM_001003841.3 (MANE Select); coding-DNA position 97, C replaced by A.
Protein change: p.Pro33Thr; replaces proline 33 with threonine.
Molecular consequence: missense variant.
Genome position (GRCh38, 1-based): chr5:1,201,747, C>A. VCF-style: chr5-1201747-C-A. GRCh37 (hg19) VCF-style: chr5-1201862-C-A.
Other names: short protein forms P33T.
Identifiers: ClinVar variation 2078613 (VCV002078613.3), dbSNP rs202242697, ClinGen allele CA3182562.

ClinVar aggregate classification (germline): Uncertain significance. Review status: criteria provided, multiple submitters, no conflicts (2 of 4 stars). 2 submissions from 2 submitters: Uncertain significance (2). Last evaluated 2025-10-02.

Conditions:
Neutral 1 amino acid transport defect (HND). Also called: HARTNUP DISORDER; Hartnup disease. Identifiers: Orphanet 2116, MedGen C0018609, MONDO:0009324, OMIM 234500.

Allele frequency attached by ClinVar (database versions not stated): gnomAD exomes 0.00013; gnomAD 0.00014; ExAC 0.00016; TOPMed 0.00018.
gnomAD v4.1: 218 of 1,612,644 alleles (0.014%); highest among the groups gnomAD compares: Non-Finnish European, 0.015%; no homozygotes.

Submissions (2):

Labcorp Genetics (formerly Invitae), Labcorp
Classification: Uncertain significance. Last evaluated: 2025-10-02. Review status: criteria provided, single submitter. Criteria: Invitae Variant Classification Sherloc (09022015). Collection method: clinical testing. Allele origin: germline.
Comment: This sequence change replaces proline, which is neutral and non-polar, with threonine, which is neutral and polar, at codon 33 of the SLC6A19 protein (p.Pro33Thr). This variant is present in population databases (rs202242697, gnomAD 0.05%). This variant has not been reported in the literature in individuals affected with SLC6A19-related conditions. ClinVar contains an entry for this variant (Variation ID: 2078613). Invitae Evidence Modeling of protein sequence and biophysical properties (such as structural, functional, and spatial information, amino acid conservation, physicochemical variation, residue mobility, and thermodynamic stability) has been performed for this missense variant. However, the output from this modeling did not meet the statistical confidence thresholds required to predict the impact of this variant on SLC6A19 protein function. In summary, the available evidence is currently insufficient to determine the role of this variant in disease. Therefore, it has been classified as a Variant of Uncertain Significance.

Fulgent Genetics
Classification: Uncertain significance for Neutral 1 amino acid transport defect. Last evaluated: 2024-06-18. Review status: criteria provided, single submitter. Criteria: ACMG Guidelines, 2015. Collection method: clinical testing. Allele origin: germline.